The following is an entry in ClinVar:

ClinVar aggregate classification (germline): Pathogenic. Review status: criteria provided, multiple submitters, no conflicts (2 of 4 stars). 21 submissions from 21 submitters: Pathogenic (18). 3 of the submissions do not count toward it. Last evaluated 2026-05-12.

Conditions:
BTD-related disorder. Also called: BTD-related condition.
Inborn genetic diseases. Identifiers: MedGen C0950123, MeSH D030342.
Biotinidase deficiency. Also called: Biotin deficiency; BTD deficiency; Late-onset biotin-responsive multiple carboxylase deficiency. Identifiers: Orphanet 79241, MedGen C0220754, MONDO:0009665, OMIM 253260.

Allele frequency attached by ClinVar (database versions not stated): TOPMed 0.00009; gnomAD 0.00010 and 0.00011.

Submissions 1 to 11 of 21:

PreventionGenetics, part of Exact Sciences
Classification: Pathogenic for BTD-related condition. Last evaluated: 2026-05-12. Review status: criteria provided, single submitter. Criteria: ACMG Guidelines, 2015. Collection method: clinical testing. Allele origin: germline.
Comment: The BTD c.1612C>T variant is predicted to result in the amino acid substitution p.Arg538Cys. This variant has been reported in the homozygous state or with a second BTD variant in individuals with biotinidase deficiency (Pomponio et al. 1997. PubMed ID: 9099842; Milánkovics et al. 2007. PubMed ID: 17185019; Ibrahim et al. 2025. PubMed ID: 41007772) and has been reported to be one of the most common variants associated with profound biotinidase deficiency (Pomponio et al. 1997. PubMed ID: 9099842; Wolf. 2012. PubMed ID: 22241090). Alternate substitutions impacting the same amino acid (p.Arg538His, p.Arg538Leu) have been reported in individuals with biotinidase deficiency, although both were reported as likely partial deficiency variants (Liu et al. 2018. PubMed ID: 29359854; Manguolo et al. 2021. PubMed ID: 34136440). The c.1612C>T (p.Arg538Cys) variant is reported in 0.011% of alleles in individuals of European (non-Finnish) descent in gnomAD and is classified as pathogenic in ClinVar (Variation ID: 1898). This variant is interpreted as pathogenic.

Dasa
Classification: Pathogenic. Last evaluated: 2026-04-24. Review status: criteria provided, single submitter. Criteria: DASA Assertion Criteria. Collection method: clinical testing. Allele origin: germline.
Comment: NM_001370658.1(BTD):c.1552C>T (p.Arg518Cys) is a missense variant that results in the substitution of arginine with cysteine. The affected residue or protein region has prior evidence supporting clinical relevance. This variant has been observed in affected individuals with related phenotype in a genotype context consistent with recessive disease (PMID: 9099842; PMID: 38141137; PMID: 27207447; PMID: 40171223). Functional evidence supports a deleterious effect on the gene or gene product (PMID: 9099842; PMID: 38141137; PMID: 27207447; PMID: 40171223). This variant has been recurrently observed in individuals with related phenotype (PMID: 9099842; PMID: 38141137; PMID: 27207447; PMID: 40171223). Multiple computational predictions support a deleterious effect on the gene or gene product. The variant is present at low frequency in population datasets. Based on the available data, this variant is classified as pathogenic.

Labcorp Genetics (formerly Invitae), Labcorp
Classification: Pathogenic for Biotinidase deficiency. Last evaluated: 2026-01-18. Review status: criteria provided, single submitter. Criteria: Invitae Variant Classification Sherloc (09022015). Collection method: clinical testing. Allele origin: germline.
Comment: This sequence change replaces arginine, which is basic and polar, with cysteine, which is neutral and slightly polar, at codon 538 of the BTD protein (p.Arg538Cys). This variant is present in population databases (rs80338686, gnomAD 0.01%). This missense change has been observed in individual(s) with biotinidase deficiency (PMID: 9099842, 27207447, 27657684). In at least one individual the data is consistent with being in trans (on the opposite chromosome) from a pathogenic variant. ClinVar contains an entry for this variant (Variation ID: 1898). Invitae Evidence Modeling of protein sequence and biophysical properties (such as structural, functional, and spatial information, amino acid conservation, physicochemical variation, residue mobility, and thermodynamic stability) indicates that this missense variant is expected to disrupt BTD protein function with a positive predictive value of 95%. This variant disrupts the p.Arg538 amino acid residue in BTD. Other variant(s) that disrupt this residue have been determined to be pathogenic (PMID: 22698809; internal data). This suggests that this residue is clinically significant, and that variants that disrupt this residue are likely to be disease-causing. For these reasons, this variant has been classified as Pathogenic.

Variantyx, Inc.
Classification: Pathogenic for Biotinidase deficiency. Last evaluated: 2026-01-16. Review status: criteria provided, single submitter. Criteria: Variantyx Assertion Criteria 2022. Collection method: clinical testing. Allele origin: germline. Inheritance: Autosomal recessive inheritance. Affected: yes.
Comment: This is a nonsynonymous variant in the BTD gene (OMIM: 609019). Pathogenic variants in this gene have been associated with autosomal recessive biotinidase deficiency. This variant has been identified in the homozygous or compound heterozygous state in at least 7 individuals reported in the published literature (PMID: 9099842) (PM3). Two alternate amino acid changes at this position (p.Arg518Ser, p.Arg518His) have been previously reported in similarly affected individuals, which suggests that this residue is biologically important (PMID:22698809, 19757147) (PM5), and multiple computational algorithms predict a deleterious effect for this variant (REVEL score: 0.947) (PP3). This variant has a 0.0197% maximum allele frequency in non-founder control populations (PM2). Based on the current evidence, this variant is classified as pathogenic for autosomal recessive biotinidase deficiency.

Natera, Inc.
Classification: Pathogenic for Biotinidase deficiency. Last evaluated: 2025-07-23. Review status: criteria provided, single submitter. Criteria: Natera Variant Classification Schema (03/2026). Collection method: clinical testing. Allele origin: germline.
Comment: The c.1552C>T variant in BTD is a missense variant predicted to cause substitution of arginine to cysteine at amino acid 518. This variant is rare in the general population with a frequency below the threshold expected for the associated phenotype(s). This variant has been observed in one or more individuals affected with the associated recessive disease, as either homozygous or compound heterozygous with a second variant (PMID: 9099842). Given the available evidence, this variant is classified as Pathogenic.

CeGaT Center for Human Genetics Tuebingen
Classification: Pathogenic. Last evaluated: 2025-06-01. Review status: criteria provided, single submitter. Criteria: CeGaT Center For Human Genetics Tuebingen Variant Classification Criteria Version 2. Collection method: clinical testing. Allele origin: germline. Affected: yes. Observed: 3 variant alleles.
Comment: BTD: PM3:Strong, PM1, PM2, PM5, PP4:Moderate, PS3:Moderate, PP1

Quest Diagnostics Nichols Institute San Juan Capistrano
Classification: Pathogenic. Last evaluated: 2025-05-12. Review status: criteria provided, single submitter. Criteria: Quest Diagnostics criteria. Collection method: clinical testing. Allele origin: unknown.
Comment: The BTD c.1612C>T (p.Arg538Cys) variant has been reported in the published literature as a common pathogenic BTD variant (PMID: 29728376 (2018), 27657684 (2017), 27207447 (2017), 26810761 (2016), 26361991 (2015), 9158148 (1997), 9099842 (1997)). It has been reported in individuals affected with biotinidase deficiency as homozygous or with a second pathogenic BTD variant (PMID: 38299772 (2024), 35265569 (2021), 9099842 (1997)). These individuals were found to have significantly reduced serum biotinidase activity (PMID: 38299772 (2024), 11668630 (2001), 9099842 (1997)). The frequency of this variant in the general population (Genome Aggregation Database) is uninformative in the assessment of its pathogenicity. Analysis of this variant using bioinformatics tools for the prediction of the effect of amino acid changes on protein structure and function yielded predictions that this variant is damaging. Based on the available information, this variant is classified as pathogenic.

3billion
Classification: Pathogenic for Biotinidase deficiency. Last evaluated: 2024-11-27. Review status: criteria provided, single submitter. Criteria: ACMG Guidelines, 2015. Collection method: clinical testing. Allele origin: germline. Affected: yes.
Comment: The variant is observed at an extremely low frequency in the gnomAD v4.1.0 dataset (total allele frequency: 0.016%). Predicted Consequence/Location: Missense variant In silico tool predictions suggest damaging effect of the variant on gene or gene product [REVEL: 0.95 (>=0.6, sensitivity 0.68 and specificity 0.92); 3Cnet: 0.96 (>=0.6, sensitivity 0.72 and precision 0.9)]. The same nucleotide change resulting in the same amino acid change has been previously reported as pathogenic/likely pathogenic with strong evidence (ClinVar ID: VCV000001898 /PMID: 9099842 /3billion dataset). The variant has been reported to be in trans with a pathogenic variant as either compound heterozygous or homozygous in at least one similarly affected unrelated individual (PMID: 9654207). Different missense changes at the same codon (p.Arg518His, p.Arg518Leu, p.Arg518Ser) have been reported as pathogenic/likely pathogenic with strong evidence (ClinVar ID: VCV000025099, VCV000203642, VCV000439035 /PMID: 19757147, 34136440 /3billion dataset). Therefore, this variant is classified as Pathogenic according to the recommendation of ACMG/AMP guideline.

Revvity Omics, Revvity
Classification: Pathogenic for Biotinidase deficiency. Last evaluated: 2024-10-31. Review status: criteria provided, single submitter. Criteria: ACMG Guidelines, 2015. Collection method: clinical testing. Allele origin: germline.

Baylor Genetics
Classification: Pathogenic for Biotinidase deficiency. Last evaluated: 2024-03-19. Review status: criteria provided, single submitter. Criteria: ACMG Guidelines, 2015. Collection method: clinical testing. Allele origin: unknown.

Fulgent Genetics
Classification: Pathogenic for Biotinidase deficiency. Last evaluated: 2024-01-29. Review status: criteria provided, single submitter. Criteria: ACMG Guidelines, 2015. Collection method: clinical testing. Allele origin: germline.

NM_001370658.1(BTD):c.1552C>T (p.Arg518Cys)

Gene: BTD (biotinidase; plus strand). Cytogenetic location: 3p25.1.
Variant type: single nucleotide variant.
Coding change: c.1552C>T on transcript NM_001370658.1 (MANE Select); coding-DNA position 1552, C replaced by T.
Protein change: p.Arg518Cys; replaces arginine 518 with cysteine.
Molecular consequence: missense variant. On other transcripts: intron variant (2).
Genome position (GRCh38, 1-based): chr3:15,645,468, C>T. VCF-style: chr3-15645468-C-T. GRCh37 (hg19) VCF-style: chr3-15686975-C-T.
Other names: R538C; c.1552C>T, p.Arg518Cys (NM_001407369.1, NM_001407370.1, NM_001407371.1 and 16 more transcripts); c.1015+537C>T (NM_001370752.1); c.399+3411C>T (NM_001370753.1); c.1612C>T, p.Arg538Cys (NM_000060.4); short protein forms R518C.
Identifiers: ClinVar variation 1898 (VCV000001898.79), dbSNP rs80338686, ClinGen allele CA220320.
Genomic context (GRCh38, chr3:15,645,468, plus strand): 5'-CACTATTTCCTGAGGAAAAGTAGGCTGTCCTCTGGGCTGGTGACGGCGGCTCTCTATGGG[C>T]GCTTGTATGAGAGGGACTAGGAAAAGTGTGTGGTCTGTGGGGCGGACTCTGGCCATCATG-3'
Protein context (NP_001357587.1, residues 508-523): SGLVTAALYG[Arg518Cys]LYERD